The following is an entry in ClinVar:

NM_004646.4(NPHS1):c.1762dup (p.Glu588fs)

Gene: NPHS1 (NPHS1 adhesion molecule, nephrin; minus strand). Cytogenetic location: 19q13.12.
Variant type: Duplication.
Coding change: c.1762dup on transcript NM_004646.4 (MANE Select); coding-DNA position 1762, one base duplicated (G; older notation c.1762dupG).
Protein change: p.Glu588fs; shifts the reading frame from glutamic acid 588.
Molecular consequence: frameshift variant.
Genome position (GRCh38, 1-based): chr19:35,845,536, C duplicated on the plus strand (G on the coding strand, the reverse complement: NPHS1 is on the minus strand); the first of 2 consecutive C bases (chr19:35,845,536-35,845,537); duplicating either gives the same sequence. VCF-style (leftmost placement, unchanged base first): chr19-35845535-T-TC. GRCh37 (hg19) VCF-style: chr19-36336437-T-TC.
Other names: short protein forms E588fs.
Identifiers: ClinVar variation 5012284 (VCV005012284.1).

ClinVar aggregate classification (germline): Pathogenic (1 of 4 stars; one submission).

Conditions:
Finnish congenital nephrotic syndrome (NPHS1). Also called: NEPHROTIC SYNDROME, TYPE 1. Identifiers: Orphanet 839, MedGen C0403399, MONDO:0009732, OMIM 256300.

Submission:

Myriad Genetics, Inc.
Classification: Pathogenic for Finnish congenital nephrotic syndrome. Last evaluated: 2023-09-27. Review status: criteria provided, single submitter. Criteria: Myriad Autosomal Dominant, Autosomal Recessive and X-Linked Classification Criteria (2023). Collection method: clinical testing. Allele origin: unknown.
Comment: NM_004646.3(NPHS1):c.1762dupG(E588Gfs*86) is expected to be pathogenic in the context of nephrotic syndrome, NPHS1-related. This variant is predicted to lead to an abnormal or absent protein product due to the creation of a premature termination codon in NPHS1, a gene where loss-of-function variants are known to be pathogenic. Please note: this variant was assessed in the context of healthy population screening.